The following is an entry in ClinVar:

NM_000360.4(TH):c.443T>C (p.Val148Ala)

Gene: TH (tyrosine hydroxylase; minus strand). Cytogenetic location: 11p15.5.
Variant type: single nucleotide variant.
Coding change: c.443T>C on transcript NM_000360.4 (MANE Select); coding-DNA position 443, T replaced by C.
Protein change: p.Val148Ala; replaces valine 148 with alanine.
Molecular consequence: missense variant.
Genome position (GRCh38, 1-based): chr11:2,168,535, A>G on the plus strand (T>C on the coding strand, the complement: TH is on the minus strand). VCF-style: chr11-2168535-A-G. GRCh37 (hg19) VCF-style: chr11-2189765-A-G.
Other names: c.536T>C, p.Val179Ala (NM_199292.3); c.524T>C, p.Val175Ala (NM_199293.3); short protein forms V175A, V148A, V179A.
Identifiers: ClinVar variation 806597 (VCV000806597.45), dbSNP rs942789428, ClinGen allele CA216287439.

ClinVar aggregate classification (germline): Uncertain significance. Review status: criteria provided, multiple submitters, no conflicts (2 of 4 stars). 2 submissions from 2 submitters: Uncertain significance (2). Last evaluated 2022-08-21.

Conditions:
TH-deficient dopa-responsive dystonia. Also called: DYT-TH; Tyrosine Hydroxylase-Deficient Dopa-Responsive Dystonia; Segawa syndrome, autosomal recessive. Identifiers: Orphanet 101150, MedGen C2673535, MONDO:0011551, OMIM 605407.

Allele frequency attached by ClinVar (database versions not stated): gnomAD exomes below 0.00001; TOPMed below 0.00001.

Submissions (2):

Labcorp Genetics (formerly Invitae), Labcorp
Classification: Uncertain significance for TH-deficient dopa-responsive dystonia. Last evaluated: 2022-08-21. Review status: criteria provided, single submitter. Criteria: Invitae Variant Classification Sherloc (09022015). Collection method: clinical testing. Allele origin: germline.
Comment: This sequence change replaces valine, which is neutral and non-polar, with alanine, which is neutral and non-polar, at codon 179 of the TH protein (p.Val179Ala). In summary, the available evidence is currently insufficient to determine the role of this variant in disease. Therefore, it has been classified as a Variant of Uncertain Significance. Advanced modeling of protein sequence and biophysical properties (such as structural, functional, and spatial information, amino acid conservation, physicochemical variation, residue mobility, and thermodynamic stability) performed at Invitae indicates that this missense variant is not expected to disrupt TH protein function. ClinVar contains an entry for this variant (Variation ID: 806597). This variant has not been reported in the literature in individuals affected with TH-related conditions. This variant is not present in population databases (gnomAD no frequency).

CeGaT Center for Human Genetics Tuebingen
Classification: Uncertain significance. Last evaluated: 2016-06-01. Review status: criteria provided, single submitter. Criteria: CeGaT Center For Human Genetics Tuebingen Variant Classification Criteria Version 2. Collection method: clinical testing. Allele origin: germline. Affected: yes. Observed: 1 variant allele.